The following is an entry in ClinVar:

ClinVar aggregate classification (germline): Uncertain significance (1 of 4 stars; one submission).

Allele frequency attached by ClinVar (database versions not stated): gnomAD exomes 0.00001 and 0.00002; ExAC 0.00003; TOPMed 0.00003; gnomAD 0.00006.
gnomAD v4.1: 41 of 1,612,642 alleles (0.0025%); highest among the groups gnomAD compares: Non-Finnish European, 0.0034%; no homozygotes.

Submission:

Labcorp Genetics (formerly Invitae), Labcorp
Classification: Uncertain significance. Last evaluated: 2024-07-30. Review status: criteria provided, single submitter. Criteria: Invitae Variant Classification Sherloc (09022015). Collection method: clinical testing. Allele origin: germline.
Comment: This sequence change replaces methionine, which is neutral and non-polar, with isoleucine, which is neutral and non-polar, at codon 614 of the TRAF3IP1 protein (p.Met614Ile). This variant is present in population databases (rs745979185, gnomAD 0.002%). This variant has not been reported in the literature in individuals affected with TRAF3IP1-related conditions. ClinVar contains an entry for this variant (Variation ID: 1399409). Advanced modeling of protein sequence and biophysical properties (such as structural, functional, and spatial information, amino acid conservation, physicochemical variation, residue mobility, and thermodynamic stability) performed at Invitae indicates that this missense variant is expected to disrupt TRAF3IP1 protein function with a positive predictive value of 80%. In summary, the available evidence is currently insufficient to determine the role of this variant in disease. Therefore, it has been classified as a Variant of Uncertain Significance.

NM_015650.4(TRAF3IP1):c.1842G>A (p.Met614Ile)

Gene: TRAF3IP1 (TRAF3 interacting protein 1; plus strand). Cytogenetic location: 2q37.3.
Variant type: single nucleotide variant.
Coding change: c.1842G>A on transcript NM_015650.4 (MANE Select); coding-DNA position 1842, G replaced by A.
Protein change: p.Met614Ile; replaces methionine 614 with isoleucine.
Molecular consequence: missense variant.
Genome position (GRCh38, 1-based): chr2:238,397,611, G>A. VCF-style: chr2-238397611-G-A. GRCh37 (hg19) VCF-style: chr2-239306252-G-A.
Other names: c.1644G>A, p.Met548Ile (NM_001139490.1); short protein forms M548I, M614I.
Identifiers: ClinVar variation 1399409 (VCV001399409.7), dbSNP rs745979185, ClinGen allele CA2198588.